The following is an entry in ClinVar:

ClinVar aggregate classification (germline): Uncertain significance (1 of 4 stars; one submission).

Conditions:
Early-infantile DEE. Also called: Ohtahara syndrome; Early infantile epileptic encephalopathy with suppression bursts; Early infantile epileptic encephalopathy. Identifiers: Orphanet 1934, MedGen C0393706, MONDO:0800491.

Allele frequency attached by ClinVar (database versions not stated): gnomAD exomes 0.00001; TOPMed 0.00002; ExAC 0.00003; 1000 Genomes Project 30x 0.00016; 1000 Genomes Project 0.00020.
gnomAD v4.1: 11 of 1,584,024 alleles (0.00069%); highest among the groups gnomAD compares: African/African-American, 0.0054%; no homozygotes.

Submission:

Labcorp Genetics (formerly Invitae), Labcorp
Classification: Uncertain significance for Early-infantile DEE. Last evaluated: 2023-12-11. Review status: criteria provided, single submitter. Criteria: Invitae Variant Classification Sherloc (09022015). Collection method: clinical testing. Allele origin: germline.
Comment: This sequence change replaces serine, which is neutral and polar, with cysteine, which is neutral and slightly polar, at codon 1122 of the SCN8A protein (p.Ser1122Cys). This variant is present in population databases (rs554826191, gnomAD 0.01%). This variant has not been reported in the literature in individuals affected with SCN8A-related conditions. ClinVar contains an entry for this variant (Variation ID: 1431533). Advanced modeling of protein sequence and biophysical properties (such as structural, functional, and spatial information, amino acid conservation, physicochemical variation, residue mobility, and thermodynamic stability) performed at Invitae indicates that this missense variant is not expected to disrupt SCN8A protein function with a negative predictive value of 95%. In summary, the available evidence is currently insufficient to determine the role of this variant in disease. Therefore, it has been classified as a Variant of Uncertain Significance.

NM_001330260.2(SCN8A):c.3364A>T (p.Ser1122Cys)

Gene: SCN8A (sodium voltage-gated channel alpha subunit 8; plus strand). Cytogenetic location: 12q13.13.
Variant type: single nucleotide variant.
Coding change: c.3364A>T on transcript NM_001330260.2 (MANE Select); coding-DNA position 3364, A replaced by T.
Protein change: p.Ser1122Cys; replaces serine 1122 with cysteine.
Molecular consequence: missense variant.
Genome position (GRCh38, 1-based): chr12:51,769,327, A>T. VCF-style: chr12-51769327-A-T. GRCh37 (hg19) VCF-style: chr12-52163111-A-T.
Other names: c.3364A>T, p.Ser1122Cys (NM_001177984.3, NM_001369788.1, NM_014191.4); short protein forms S1122C.
Identifiers: ClinVar variation 1431533 (VCV001431533.7), dbSNP rs554826191, ClinGen allele CA6571582.